The following is an entry in ClinVar:

NM_004387.4(NKX2-5):c.421C>A (p.Pro141Thr)

Gene: NKX2-5 (NK2 homeobox 5; minus strand). Cytogenetic location: 5q35.1.
Variant type: single nucleotide variant.
Coding change: c.421C>A on transcript NM_004387.4 (MANE Select); coding-DNA position 421, C replaced by A.
Protein change: p.Pro141Thr; replaces proline 141 with threonine.
Molecular consequence: missense variant. On other transcripts: 3 prime UTR variant (2).
Genome position (GRCh38, 1-based): chr5:173,233,123, G>T on the plus strand (C>A on the coding strand, the complement: NKX2-5 is on the minus strand). VCF-style: chr5-173233123-G-T. GRCh37 (hg19) VCF-style: chr5-172660126-G-T.
Other names: c.*374C>A (NM_001166175.2); c.*220C>A (NM_001166176.2); short protein forms P141T.
Identifiers: ClinVar variation 1738812 (VCV001738812.2), dbSNP rs774627537, ClinGen allele CA362161898.

ClinVar aggregate classification (germline): Uncertain significance (1 of 4 stars; one submission).

Conditions:
Cardiovascular phenotype. Identifiers: MedGen CN230736.

Submission:

Ambry Genetics
Classification: Uncertain significance for Cardiovascular phenotype. Last evaluated: 2019-08-13. Review status: criteria provided, single submitter. Criteria: Ambry Variant Classification Scheme 2023. Collection method: clinical testing. Allele origin: germline.
Comment: The p.P141T variant (also known as c.421C>A), located in coding exon 2 of the NKX2-5 gene, results from a C to A substitution at nucleotide position 421. The proline at codon 141 is replaced by threonine, an amino acid with highly similar properties. A different alteration affecting this same position (c.421C>G; p.P141A) has been reported in a patient with congenital transitional atrio-ventricular septal defect (El-Bouchikhi I et al. Turk. J. Pediatr. 2017;59(5):610-613). This alteration is located in the homeobox domain (Pradhan L et al. Biochemistry 2012;51(32):6312-9). This amino acid position is highly conserved in available vertebrate species. In addition, this alteration is predicted to be deleterious by in silico analysis. Since supporting evidence is limited at this time, the clinical significance of this alteration remains unclear.